The following is an entry in ClinVar:

ClinVar aggregate classification (germline): Uncertain significance. Review status: criteria provided, multiple submitters, no conflicts (2 of 4 stars). 2 submissions from 2 submitters: Uncertain significance (2). Last evaluated 2025-12-15.

Conditions:
Inborn genetic diseases. Identifiers: MedGen C0950123, MeSH D030342.
Hypokalemic periodic paralysis, type 1. Also called: Hypokalemic Periodic Paralysis Type 1 (AD); HypoPP. Identifiers: Orphanet 681, MedGen C3714580, MONDO:0042979, OMIM 170400.
Malignant hyperthermia, susceptibility to, 5 (MHS5). Also called: CACNA1S-Related Malignant Hyperthermia Susceptibility. Identifiers: Orphanet 423, MedGen C1866077, MONDO:0011163, OMIM 601887.

Submissions (2):

Ambry Genetics
Classification: Uncertain significance for Inborn genetic diseases. Last evaluated: 2025-12-15. Review status: criteria provided, single submitter. Criteria: Ambry Variant Classification Scheme 2023. Collection method: clinical testing. Allele origin: germline.

Labcorp Genetics (formerly Invitae), Labcorp
Classification: Uncertain significance for Hypokalemic periodic paralysis, type 1; Malignant hyperthermia, susceptibility to, 5. Last evaluated: 2024-02-08. Review status: criteria provided, single submitter. Criteria: Invitae Variant Classification Sherloc (09022015). Collection method: clinical testing. Allele origin: germline.
Comment: This sequence change replaces alanine, which is neutral and non-polar, with valine, which is neutral and non-polar, at codon 943 of the CACNA1S protein (p.Ala943Val). This variant is not present in population databases (gnomAD no frequency). This variant has not been reported in the literature in individuals affected with CACNA1S-related conditions. Advanced modeling of protein sequence and biophysical properties (such as structural, functional, and spatial information, amino acid conservation, physicochemical variation, residue mobility, and thermodynamic stability) performed at Invitae indicates that this missense variant is expected to disrupt CACNA1S protein function with a positive predictive value of 80%. In summary, the available evidence is currently insufficient to determine the role of this variant in disease. Therefore, it has been classified as a Variant of Uncertain Significance.

NM_000069.3(CACNA1S):c.2828C>T (p.Ala943Val)

Gene: CACNA1S (calcium voltage-gated channel subunit alpha1 S; minus strand). Cytogenetic location: 1q32.1.
Variant type: single nucleotide variant.
Coding change: c.2828C>T on transcript NM_000069.3 (MANE Select); coding-DNA position 2828, C replaced by T.
Protein change: p.Ala943Val; replaces alanine 943 with valine.
Molecular consequence: missense variant.
Genome position (GRCh38, 1-based): chr1:201,065,863, G>A on the plus strand (C>T on the coding strand, the complement: CACNA1S is on the minus strand). VCF-style: chr1-201065863-G-A. GRCh37 (hg19) VCF-style: chr1-201034991-G-A.
Other names: c.2828C>T (NM_000069.2); short protein forms A943V.
Identifiers: ClinVar variation 3763402 (VCV003763402.3).